The following is an entry in ClinVar:

NM_003482.4(KMT2D):c.11955G>A (p.Leu3985=)

Gene: KMT2D (lysine methyltransferase 2D; minus strand). Cytogenetic location: 12q13.12.
Variant type: single nucleotide variant.
Coding change: c.11955G>A on transcript NM_003482.4 (MANE Select); coding-DNA position 11955, G replaced by A.
Protein change: p.Leu3985=; no amino-acid change (leucine 3985 retained).
Molecular consequence: synonymous variant.
Genome position (GRCh38, 1-based): chr12:49,032,750, C>T on the plus strand (G>A on the coding strand, the complement: KMT2D is on the minus strand). VCF-style: chr12-49032750-C-T. GRCh37 (hg19) VCF-style: chr12-49426533-C-T.
Identifiers: ClinVar variation 750161 (VCV000750161.7), dbSNP rs1592119004, ClinGen allele CA479708350.

ClinVar aggregate classification (germline): Likely benign. Review status: criteria provided, single submitter (1 of 4 stars). 2 submissions from 2 submitters: Likely benign (1). 1 of the submissions does not count toward it. Last evaluated 2025-05-26.

Conditions:
Kabuki syndrome. Also called: NIIKAWA-KUROKI SYNDROME; Kabuki make-up syndrome. Identifiers: Orphanet 2322, MedGen C0796004, MONDO:0016512.
KMT2D-related disorder. Also called: KMT2D-Related Disorders.

Allele frequency attached by ClinVar (database versions not stated): TOPMed below 0.00001; gnomAD 0.00001.

Submissions (2):

Labcorp Genetics (formerly Invitae), Labcorp
Classification: Likely benign for Kabuki syndrome. Last evaluated: 2025-05-26. Review status: criteria provided, single submitter. Criteria: Invitae Variant Classification Sherloc (09022015). Collection method: clinical testing. Allele origin: germline.

PreventionGenetics, part of Exact Sciences
Classification: Likely benign for KMT2D-related condition. Last evaluated: 2023-03-15. Review status: no assertion criteria provided. Collection method: clinical testing. Allele origin: germline. Not counted in ClinVar's aggregate classification.
Comment: This variant is classified as likely benign based on ACMG/AMP sequence variant interpretation guidelines (Richards et al. 2015 PMID: 25741868, with internal and published modifications).